The following is an entry in ClinVar:

ClinVar aggregate classification (germline): Likely benign (1 of 4 stars; one submission).

Conditions:
Retinoblastoma (RB1). Also called: RETINOBLASTOMA, SOMATIC. Identifiers: Orphanet 790, MedGen C0035335, MeSH D012175, MONDO:0008380, OMIM 180200, HP:0009919. Disease mechanism: loss of function. Inheritance: Both sporadic and heritable forms are tested..

Submission:

Myriad Genetics, Inc.
Classification: Likely benign for Retinoblastoma. Last evaluated: 2026-06-18. Review status: criteria provided, single submitter. Criteria: Myriad Autosomal Dominant, Autosomal Recessive and X-Linked Classification Criteria (2023). Collection method: clinical testing. Allele origin: unknown.
Comment: This variant is considered likely benign. This variant is intronic and is not expected to impact mRNA splicing.

NM_000321.3(RB1):c.1390-19_1390-18insC

Gene: RB1 (RB transcriptional corepressor 1; plus strand). Cytogenetic location: 13q14.2.
Variant type: Insertion.
Coding change: c.1390-19_1390-18insC on transcript NM_000321.3 (MANE Select); 19 bases into the intron before coding-DNA position 1390 through 18 bases into the intron before coding-DNA position 1390, C inserted.
Molecular consequence: intron variant.
Genome position: GRCh38 VCF-style: chr13-48380034-T-TC. GRCh37 (hg19) VCF-style: chr13-48954170-T-TC.
Other names: c.1390-19_1390-18insC (NM_001407165.1, NM_001407166.1).
Identifiers: ClinVar variation 4875827 (VCV004875827.1).